The following is an entry in ClinVar:

ClinVar aggregate classification (germline): Uncertain significance (1 of 4 stars; one submission).

Allele frequency attached by ClinVar (database versions not stated): gnomAD exomes below 0.00001; ExAC 0.00001; gnomAD 0.00001; TOPMed 0.00001; ESP Exome Variant Server 0.00008.
gnomAD v4.1: 2 of 1,613,800 alleles (0.00012%); highest among the groups gnomAD compares: Non-Finnish European, 0.00017%; no homozygotes.

Submission:

Labcorp Genetics (formerly Invitae), Labcorp
Classification: Uncertain significance. Last evaluated: 2022-01-27. Review status: criteria provided, single submitter. Criteria: Invitae Variant Classification Sherloc (09022015). Collection method: clinical testing. Allele origin: germline.
Comment: This sequence change creates a premature translational stop signal (p.Lys395*) in the HTRA2 gene. While this is not anticipated to result in nonsense mediated decay, it is expected to disrupt the last 64 amino acid(s) of the HTRA2 protein. This variant is present in population databases (rs375891754, gnomAD 0.002%). This variant has not been reported in the literature in individuals affected with HTRA2-related conditions. This variant disrupts a region of the HTRA2 protein in which other variant(s) (p.Val439Aspfs*15) have been observed in individuals with HTRA2-related conditions (PMID: 27208207). This suggests that this is a clinically significant region of the protein, and that variants that disrupt it are likely to be disease-causing. In summary, the available evidence is currently insufficient to determine the role of this variant in disease. Therefore, it has been classified as a Variant of Uncertain Significance.

Literature cited by the submitters: PubMed 27208207.

NM_013247.5(HTRA2):c.1183A>T (p.Lys395Ter)

Genes: HTRA2 (HtrA serine peptidase 2; plus strand), LOXL3 (lysyl oxidase like 3; minus strand). Cytogenetic location: 2p13.1.
Variant type: single nucleotide variant.
Coding change: c.1183A>T on transcript NM_013247.5 (MANE Select); coding-DNA position 1183, A replaced by T.
Protein change: p.Lys395Ter; replaces lysine 395 with a stop codon.
Molecular consequence: nonsense. On other transcripts: non-coding transcript variant (4), 3 prime UTR variant (3), intron variant (3).
Genome position (GRCh38, 1-based): chr2:74,532,686, A>T. VCF-style: chr2-74532686-A-T. GRCh37 (hg19) VCF-style: chr2-74759813-A-T.
Other names: c.*920T>A (NM_001289164.3, NM_001289165.2, NM_032603.5); c.1146-134A>T (NM_001321727.1); c.1116-134A>T (NM_001321728.1); c.921-134A>T (NM_145074.2); short protein forms K395*.
Identifiers: ClinVar variation 1942108 (VCV001942108.2), dbSNP rs375891754, ClinGen allele CA1728589.
Genomic context (GRCh38, chr2:74,532,686, plus strand): 5'-GCTGAACTACAGCTTCGAGAACCAAGCTTTCCCGATGTTCAGCATGGTGTACTCATCCAT[A>T]AAGTCATCCTGGGCTCCCCTGCACACCGGTGAGGGAGAGGCTGCAGTGTGATATGGGGAT-3'